The following is an entry in ClinVar:

ClinVar aggregate classification (germline): Pathogenic. Review status: criteria provided, multiple submitters, no conflicts (2 of 4 stars). 3 submissions from 3 submitters: Pathogenic (3). Last evaluated 2023-09-08.

Conditions:
Hereditary cancer-predisposing syndrome. Also called: Neoplastic Syndromes, Hereditary; Tumor predisposition; Hereditary Cancer Syndrome; Hereditary neoplastic syndrome. Identifiers: Orphanet 140162, MedGen C0027672, MeSH D009386, MONDO:0015356.
Familial cancer of breast. Also called: BREAST CANCER, FAMILIAL; Hereditary breast cancer; hereditary breast carcinoma. Identifiers: Orphanet 227535, MedGen C0346153, MONDO:0016419, OMIM 114480. Disease mechanism: loss of function.

Submissions (3):

Myriad Genetics, Inc.
Classification: Pathogenic for Familial cancer of breast. Last evaluated: 2023-09-08. Review status: criteria provided, single submitter. Criteria: Myriad Autosomal Dominant, Autosomal Recessive and X-Linked Classification Criteria (2023). Collection method: clinical testing. Allele origin: unknown.
Comment: This variant is considered pathogenic. This variant creates a termination codon and is predicted to result in premature protein truncation.

Ambry Genetics
Classification: Pathogenic for Hereditary cancer-predisposing syndrome. Last evaluated: 2023-07-07. Review status: criteria provided, single submitter. Criteria: Ambry Variant Classification Scheme 2023. Collection method: clinical testing. Allele origin: germline.
Comment: The p.K443* pathogenic mutation (also known as c.1327A>T), located in coding exon 4 of the PALB2 gene, results from an A to T substitution at nucleotide position 1327. This changes the amino acid from a lysine to a stop codon within coding exon 4. This alteration is expected to result in loss of function by premature protein truncation or nonsense-mediated mRNA decay. As such, this alteration is interpreted as a disease-causing mutation.

Labcorp Genetics (formerly Invitae), Labcorp
Classification: Pathogenic for Familial cancer of breast. Last evaluated: 2021-08-06. Review status: criteria provided, single submitter. Criteria: Invitae Variant Classification Sherloc (09022015). Collection method: clinical testing. Allele origin: germline.
Comment: This sequence change creates a premature translational stop signal (p.Lys443*) in the PALB2 gene. It is expected to result in an absent or disrupted protein product. This variant is not present in population databases (ExAC no frequency). This variant has not been reported in the literature in individuals with PALB2-related disease. ClinVar contains an entry for this variant (Variation ID: 484160). Loss-of-function variants in PALB2 are known to be pathogenic (PMID: 17200668, 24136930, 25099575). For these reasons, this variant has been classified as Pathogenic.

Literature cited by the submitters: PubMed 17200668 (cited by Labcorp Genetics (formerly Invitae), Labcorp); PubMed 24136930 (cited by Labcorp Genetics (formerly Invitae), Labcorp); PubMed 25099575 (cited by Labcorp Genetics (formerly Invitae), Labcorp).

NM_024675.4(PALB2):c.1327A>T (p.Lys443Ter)

Gene: PALB2 (partner and localizer of BRCA2; minus strand). Cytogenetic location: 16p12.2.
Variant type: single nucleotide variant.
Coding change: c.1327A>T on transcript NM_024675.4 (MANE Select); coding-DNA position 1327, A replaced by T.
Protein change: p.Lys443Ter; replaces lysine 443 with a stop codon.
Molecular consequence: nonsense.
Genome position (GRCh38, 1-based): chr16:23,635,219, T>A on the plus strand (A>T on the coding strand, the complement: PALB2 is on the minus strand). VCF-style: chr16-23635219-T-A. GRCh37 (hg19) VCF-style: chr16-23646540-T-A.
Other names: short protein forms K443*.
Identifiers: ClinVar variation 484160 (VCV000484160.14), dbSNP rs1555461339, ClinGen allele CA395132293.